The following is an entry in ClinVar:

NM_025137.4(SPG11):c.4937G>A (p.Cys1646Tyr)

Gene: SPG11 (SPG11 vesicle trafficking associated, spatacsin; minus strand). Cytogenetic location: 15q21.1.
Variant type: single nucleotide variant.
Coding change: c.4937G>A on transcript NM_025137.4 (MANE Select); coding-DNA position 4937, G replaced by A.
Protein change: p.Cys1646Tyr; replaces cysteine 1646 with tyrosine.
Molecular consequence: missense variant.
Genome position (GRCh38, 1-based): chr15:44,585,820, C>T on the plus strand (G>A on the coding strand, the complement: SPG11 is on the minus strand). VCF-style: chr15-44585820-C-T. GRCh37 (hg19) VCF-style: chr15-44878018-C-T.
Other names: c.4937G>A, p.Cys1646Tyr (NM_001160227.2, NM_001411132.1); short protein forms C1646Y.
Identifiers: ClinVar variation 4998784 (VCV004998784.1).

ClinVar aggregate classification (germline): Uncertain significance (1 of 4 stars; one submission).

Conditions:
SPG11-related disorder. Also called: SPG11-related condition.

gnomAD v4.1: 2 of 1,613,708 alleles (0.00012%); highest among the groups gnomAD compares: Non-Finnish European, 0.00017%; no homozygotes.

Submission:

PreventionGenetics, part of Exact Sciences
Classification: Uncertain significance for SPG11-related condition. Last evaluated: 2025-01-06. Review status: criteria provided, single submitter. Criteria: ACMG Guidelines, 2015. Collection method: clinical testing. Allele origin: germline.
Comment: The SPG11 c.4937G>A variant is predicted to result in the amino acid substitution p.Cys1646Tyr. To our knowledge, this variant has not been reported in the literature or in a large population database (gnomAD), indicating this variant is rare. At this time, the clinical significance of this variant is uncertain due to the absence of conclusive functional and genetic evidence.